The following is an entry in ClinVar:

ClinVar aggregate classification (germline): Pathogenic/Likely pathogenic. Review status: criteria provided, multiple submitters, no conflicts (2 of 4 stars). 3 submissions from 3 submitters: Pathogenic (1); Likely pathogenic (2). Last evaluated 2026-04-30.

Conditions:
Bilateral sensorineural hearing impairment. Also called: Bilateral sensorineural hearing loss. Identifiers: MedGen C0452138, HP:0008619.
Autosomal dominant nonsyndromic hearing loss 5. Identifiers: Orphanet 90635, MedGen C1832932, MONDO:0010973, OMIM 600994.

Submissions (3):

Laboratory of Molecular, Cellular and Translation Genetics in Otolaryngology/ Lim32-hcfmusp, University of Sao Paulo School of Medicine Clinics Hospital
Classification: Likely pathogenic for Autosomal dominant nonsyndromic hearing loss 5. Last evaluated: 2026-04-30. Review status: criteria provided, single submitter. Criteria: ClinGen HL ACMG Specifications v1. Collection method: research. Allele origin: germline. Affected: yes.
Comment: NM_004700.4:c.701A>T:p.(His234Leu). This variant has been classified as likely pathogenic. It is absent from population databases (PM2), and in silico prediction tools support a deleterious effect on protein function (PP3_moderate). It has been reported in individuals with hearing loss (PS4_supporting), and a different amino acid change at the same residue has been previously established as pathogenic (PM5).

GeneDx
Classification: Likely pathogenic. Last evaluated: 2024-11-26. Review status: criteria provided, single submitter. Criteria: GeneDx Variant Classification Process June 2021. Collection method: clinical testing. Allele origin: germline. Affected: yes.
Comment: Not observed at significant frequency in large population cohorts (gnomAD); In silico analysis supports that this missense variant has a deleterious effect on protein structure/function; This variant is associated with the following publications: (PMID: 34652575, 27081546)

Laboratory of Human Genetics, Institute of Biosciences - University of Sao Paulo
Classification: Pathogenic for Bilateral sensorineural hearing impairment. Review status: criteria provided, single submitter. Criteria: ClinGen HL ACMG Specifications v1. Collection method: research. Allele origin: germline. Affected: yes. Observed: 3 heterozygotes. Clinical features observed: Postlingual sensorineural hearing impairment (HP:0008596), Progressive sensorineural hearing impairment (HP:0000408). Segregation with disease observed.

Literature cited by the submitters: PubMed 27081546 (cited by Laboratory of Molecular, Cellular and Translation Genetics in Otolaryngology/ Lim32-hcfmusp, University of Sao Paulo School of Medicine Clinics Hospital and Laboratory of Human Genetics, Institute of Biosciences - University of Sao Paulo); PubMed 42233699 (cited by Laboratory of Molecular, Cellular and Translation Genetics in Otolaryngology/ Lim32-hcfmusp, University of Sao Paulo School of Medicine Clinics Hospital); PubMed 34652575 (cited by Laboratory of Human Genetics, Institute of Biosciences - University of Sao Paulo); PubMed 19461658 (cited by Laboratory of Human Genetics, Institute of Biosciences - University of Sao Paulo).

NM_004700.4(KCNQ4):c.701A>T (p.His234Leu)

Gene: KCNQ4 (potassium voltage-gated channel subfamily Q member 4; plus strand). Cytogenetic location: 1p34.2.
Variant type: single nucleotide variant.
Coding change: c.701A>T on transcript NM_004700.4 (MANE Select); coding-DNA position 701, A replaced by T.
Protein change: p.His234Leu; replaces histidine 234 with leucine.
Molecular consequence: missense variant.
Genome position (GRCh38, 1-based): chr1:40,818,673, A>T. VCF-style: chr1-40818673-A-T. GRCh37 (hg19) VCF-style: chr1-41284345-A-T.
Other names: c.701A>T, p.His234Leu (NM_172163.3); c.701A>T (NM_004700.3); short protein forms H234L.
Identifiers: ClinVar variation 1185583 (VCV001185583.3), dbSNP rs1064796365, ClinGen allele CA339894852.